The following is an entry in ClinVar:

ClinVar aggregate classification (germline): Likely pathogenic (1 of 4 stars; one submission).

Conditions:
Marfan syndrome (MFS). Also called: FBN1-Related Marfan Syndrome; Marfan syndrome, classic; MARFAN SYNDROME, TYPE I; Marfan syndrome type 1; Marfan's syndrome. Identifiers: Orphanet 284963, Orphanet 558, MedGen C0024796, MONDO:0007947, OMIM 154700.

Submission:

Laboratory for Molecular Medicine, Mass General Brigham Personalized Medicine
Classification: Likely pathogenic for Marfan syndrome. Last evaluated: 2013-07-18. Review status: criteria provided, single submitter. Criteria: LMM Criteria. Collection method: clinical testing. Allele origin: germline. Observed: 1 variant allele.
Comment: The Cys830Gly variant has not been reported in the literature nor previously ide ntified by our laboratory. Additionally, the variant was not present in >10,000 control chromosomes by the Exome Sequencing Project in a broad population. Cyst eine (Cys) at position 830 is highly conserved across evolutionarily distant spe cies. Each EFG-like protein domain in the FBN1 gene contains 6 highly conserved cysteine residues. These 6 residues create three disulfide bonds which are str ucturally and functionally important to the protein and changes to these cystein es are often seen in individuals with Marfan syndrome of variable severity (Schr ijver 1999). Although this exact change has not been reported, it is likely tha t this variant will impact the protein because it affects a cysteine residue in a functionally important domain of FBN1. In addition, computational tools (Alig nGVGD, SIFT, PolyPhen-2) predict that this variant will impact the protein; howe ver, the accuracy of these tools have not been validated by our laboratory. Bas ed on the fact that cysteine substitutions are often pathogenic in FBN1, this va riant is likely to be pathogenic; however, additional information such as segreg ation data or functional analyses would help confirm pathogenicity.

Literature cited by the submitters: PubMed 10486319.

NM_000138.5(FBN1):c.2488T>G (p.Cys830Gly)

Gene: FBN1 (fibrillin 1; minus strand). Cytogenetic location: 15q21.1.
Variant type: single nucleotide variant.
Coding change: c.2488T>G on transcript NM_000138.5 (MANE Select); coding-DNA position 2488, T replaced by G.
Protein change: p.Cys830Gly; replaces cysteine 830 with glycine.
Molecular consequence: missense variant.
Genome position (GRCh38, 1-based): chr15:48,495,520, A>C on the plus strand (T>G on the coding strand, the complement: FBN1 is on the minus strand). VCF-style: chr15-48495520-A-C. GRCh37 (hg19) VCF-style: chr15-48787717-A-C.
Other names: short protein forms C830G.
Identifiers: ClinVar variation 42309 (VCV000042309.4), dbSNP rs397515773, ClinGen allele CA013135.
Genomic context (GRCh38, chr15:48,495,520, plus strand): 5'-GATAAATACCTATGCAGATGGTTTTTGTTGGATCCAAAGTACTTTCAGAAGAACATTCAC[A>C]AATAAAAGAGCCTGGGCTGTTCTTGCAGACTCCATTAATGCAAGGACTTGATTCGCATTC-3'
Protein context (NP_000129.3, residues 820-840): VCKNSPGSFI[Cys830Gly]ECSSESTLDP